The following is an entry in ClinVar:

ClinVar aggregate classification (germline): Uncertain significance (1 of 4 stars; one submission).

Conditions:
Marfan syndrome (MFS). Also called: MARFAN SYNDROME, TYPE I; Marfan syndrome type 1; Marfan's syndrome; Marfan syndrome, classic; FBN1-Related Marfan Syndrome. Identifiers: Orphanet 284963, Orphanet 558, MedGen C0024796, MONDO:0007947, OMIM 154700.
Familial thoracic aortic aneurysm and aortic dissection (TAAD). Also called: Thoracic aortic aneurysms and dissections. Identifiers: Orphanet 91387, MedGen C4707243, MONDO:0019625.

gnomAD v4.1: 5 of 1,613,872 alleles (0.00031%); highest among the groups gnomAD compares: Non-Finnish European, 0.00042%; no homozygotes.

Submission:

Labcorp Genetics (formerly Invitae), Labcorp
Classification: Uncertain significance for Marfan syndrome; Familial thoracic aortic aneurysm and aortic dissection. Last evaluated: 2025-11-08. Review status: criteria provided, single submitter. Criteria: Invitae Variant Classification Sherloc (09022015). Collection method: clinical testing. Allele origin: germline.
Comment: This sequence change falls in intron 37 of the FBN1 gene. It does not directly change the encoded amino acid sequence of the FBN1 protein. This variant is present in population databases (rs748201038, gnomAD 0.0009%). This variant has been observed in individual(s) with clinical features of FBN1-related conditions (internal data). ClinVar contains an entry for this variant (Variation ID: 3752469). Algorithms developed to predict the effect of sequence changes on RNA splicing suggest that this variant may disrupt the consensus splice site. In summary, the available evidence is currently insufficient to determine the role of this variant in disease. Therefore, it has been classified as a Variant of Uncertain Significance.

NM_000138.5(FBN1):c.4583-16T>G

Gene: FBN1 (fibrillin 1; minus strand). Cytogenetic location: 15q21.1.
Variant type: single nucleotide variant.
Coding change: c.4583-16T>G on transcript NM_000138.5 (MANE Select); 16 bases into the intron before coding-DNA position 4583, T replaced by G.
Molecular consequence: intron variant.
Genome position (GRCh38, 1-based): chr15:48,468,118, A>C on the plus strand (T>G on the coding strand, the complement: FBN1 is on the minus strand). VCF-style: chr15-48468118-A-C. GRCh37 (hg19) VCF-style: chr15-48760315-A-C.
Other names: c.4583-16T>G (NM_001406716.1).
Identifiers: ClinVar variation 3752469 (VCV003752469.2).